The following is an entry in ClinVar:

NM_032043.3(BRIP1):c.2055G>C (p.Gln685His)

Gene: BRIP1 (BRCA1 interacting DNA helicase 1; minus strand). Cytogenetic location: 17q23.2.
Variant type: single nucleotide variant.
Coding change: c.2055G>C on transcript NM_032043.3 (MANE Select); coding-DNA position 2055, G replaced by C.
Protein change: p.Gln685His; replaces glutamine 685 with histidine.
Molecular consequence: missense variant.
Genome position (GRCh38, 1-based): chr17:61,776,443, C>G on the plus strand (G>C on the coding strand, the complement: BRIP1 is on the minus strand). VCF-style: chr17-61776443-C-G. GRCh37 (hg19) VCF-style: chr17-59853804-C-G.
Other names: short protein forms Q685H.
Identifiers: ClinVar variation 820611 (VCV000820611.12), dbSNP rs1603328545, ClinGen allele CA400478148.

ClinVar aggregate classification (germline): Uncertain significance. Review status: criteria provided, multiple submitters, no conflicts (2 of 4 stars). 3 submissions from 3 submitters: Uncertain significance (3). Last evaluated 2023-06-06.

Conditions:
Familial cancer of breast. Also called: Hereditary breast cancer; hereditary breast carcinoma; BREAST CANCER, FAMILIAL. Identifiers: Orphanet 227535, MedGen C0346153, MONDO:0016419, OMIM 114480. Disease mechanism: loss of function.
Fanconi anemia complementation group J. Also called: BRIP1-Related Fanconi Anemia. Identifiers: Orphanet 84, MedGen C1836860, MONDO:0012187, OMIM 609054.
Hereditary cancer-predisposing syndrome. Also called: Hereditary Cancer Syndrome; Neoplastic Syndromes, Hereditary; Hereditary neoplastic syndrome; Tumor predisposition. Identifiers: Orphanet 140162, MedGen C0027672, MeSH D009386, MONDO:0015356.

Submissions (3):

Color Diagnostics, LLC DBA Color Health
Classification: Uncertain significance for Hereditary cancer-predisposing syndrome. Last evaluated: 2023-06-06. Review status: criteria provided, single submitter. Criteria: ACMG Guidelines, 2015. Collection method: clinical testing. Allele origin: germline.
Comment: This missense variant replaces glutamine with histidine at codon 685 of the BRIP1 protein. Computational prediction is inconclusive regarding the impact of this variant on protein structure and function (internally defined REVEL score threshold 0.5 < inconclusive < 0.7, PMID: 27666373). To our knowledge, functional studies have not been reported for this variant. This variant has been detected in a breast cancer case-control meta-analysis in 1/60466 cases and 0/53461 unaffected individuals (PMID: 33471991; Leiden Open Variation Database DB-ID BRIP1_000473), and in an individual affected with colorectal cancer (PMID: 32658311). This variant has not been identified in the general population by the Genome Aggregation Database (gnomAD). The available evidence is insufficient to determine the role of this variant in disease conclusively. Therefore, this variant is classified as a Variant of Uncertain Significance.

Labcorp Genetics (formerly Invitae), Labcorp
Classification: Uncertain significance for Familial cancer of breast; Fanconi anemia complementation group J. Last evaluated: 2022-10-19. Review status: criteria provided, single submitter. Criteria: Invitae Variant Classification Sherloc (09022015). Collection method: clinical testing. Allele origin: germline.
Comment: In summary, the available evidence is currently insufficient to determine the role of this variant in disease. Therefore, it has been classified as a Variant of Uncertain Significance. Advanced modeling of protein sequence and biophysical properties (such as structural, functional, and spatial information, amino acid conservation, physicochemical variation, residue mobility, and thermodynamic stability) performed at Invitae indicates that this missense variant is not expected to disrupt BRIP1 protein function. ClinVar contains an entry for this variant (Variation ID: 820611). This variant has not been reported in the literature in individuals affected with BRIP1-related conditions. This variant is not present in population databases (gnomAD no frequency). This sequence change replaces glutamine, which is neutral and polar, with histidine, which is basic and polar, at codon 685 of the BRIP1 protein (p.Gln685His).

Ambry Genetics
Classification: Uncertain significance for Hereditary cancer-predisposing syndrome. Last evaluated: 2022-04-22. Review status: criteria provided, single submitter. Criteria: Ambry Variant Classification Scheme 2023. Collection method: clinical testing. Allele origin: germline.
Comment: The p.Q685H variant (also known as c.2055G>C), located in coding exon 13 of the BRIP1 gene, results from a G to C substitution at nucleotide position 2055. The glutamine at codon 685 is replaced by histidine, an amino acid with highly similar properties. This alteration was seen in 0/732 breast cancer patients, 1/189 colorectal cancer patients and 0/490 cancer-free elderly controls in a Turkish population (Akcay IM et al. Int J Cancer, 2021 01;148:285-295). This amino acid position is well conserved in available vertebrate species. In addition, the in silico prediction for this alteration is inconclusive. Since supporting evidence is limited at this time, the clinical significance of this alteration remains unclear.

Literature cited by the submitters: PubMed 32658311 (cited by Color Diagnostics, LLC DBA Color Health and Ambry Genetics); PubMed 33471991 (cited by Color Diagnostics, LLC DBA Color Health).